The following is an entry in ClinVar:

NM_058216.3(RAD51C):c.556A>T (p.Lys186Ter)

Gene: RAD51C (RAD51 paralog C; plus strand). Cytogenetic location: 17q22.
Variant type: single nucleotide variant.
Coding change: c.556A>T on transcript NM_058216.3 (MANE Select); coding-DNA position 556, A replaced by T.
Protein change: p.Lys186Ter; replaces lysine 186 with a stop codon.
Molecular consequence: nonsense.
Genome position (GRCh38, 1-based): chr17:58,696,844, A>T. VCF-style: chr17-58696844-A-T. GRCh37 (hg19) VCF-style: chr17-56774205-A-T.
Other names: short protein forms K186*.
Identifiers: ClinVar variation 1456921 (VCV001456921.6), dbSNP rs1363104728, ClinGen allele CA400345405.

ClinVar aggregate classification (germline): Pathogenic (1 of 4 stars; one submission).

Conditions:
Fanconi anemia complementation group O. Also called: RAD51C-Related Fanconi Anemia. Identifiers: Orphanet 84, MedGen C3150653, MONDO:0013248, OMIM 613390.

Submission:

Labcorp Genetics (formerly Invitae), Labcorp
Classification: Pathogenic for Fanconi anemia complementation group O. Last evaluated: 2024-04-11. Review status: criteria provided, single submitter. Criteria: Invitae Variant Classification Sherloc (09022015). Collection method: clinical testing. Allele origin: germline.
Comment: This sequence change creates a premature translational stop signal (p.Lys186*) in the RAD51C gene. It is expected to result in an absent or disrupted protein product. Loss-of-function variants in RAD51C are known to be pathogenic (PMID: 20400964, 21990120, 24800917, 29278735). This variant is not present in population databases (gnomAD no frequency). This variant has not been reported in the literature in individuals affected with RAD51C-related conditions. ClinVar contains an entry for this variant (Variation ID: 1456921). For these reasons, this variant has been classified as Pathogenic.

Literature cited by the submitters: PubMed 20400964; PubMed 21990120; PubMed 24800917; PubMed 29278735.